The following is an entry in ClinVar:

ClinVar aggregate classification (germline): Uncertain significance. Review status: criteria provided, multiple submitters, no conflicts (2 of 4 stars). 2 submissions from 2 submitters: Uncertain significance (2). Last evaluated 2026-09-08.

Conditions:
Erythrocytosis, familial, 3 (ECYT3). Identifiers: Orphanet 247511, MedGen C1853286, MONDO:0012353, OMIM 609820.

Allele frequency attached by ClinVar (database versions not stated): TOPMed below 0.00001; ExAC 0.00001; gnomAD exomes below 0.00001; gnomAD 0.00001.

Submissions (2):

Ambry Genetics
Classification: Uncertain significance. Last evaluated: 2026-09-08. Review status: criteria provided, single submitter. Criteria: Ambry Variant Classification Scheme 2023. Collection method: clinical testing. Allele origin: germline.
Comment: The c.503C>T (p.T168M) alteration is located in exon 1 (coding exon 1) of the EGLN1 gene. This alteration results from a C to T substitution at nucleotide position 503, causing the threonine (T) at amino acid position 168 to be replaced by a methionine (M). Based on data from gnomAD, the T allele has an overall frequency of <0.001% (0/233234) total alleles studied. The highest observed frequency was <0.001% (/) of alleles. Based on insufficient or conflicting evidence, the clinical significance of this alteration remains unclear.

Labcorp Genetics (formerly Invitae), Labcorp
Classification: Uncertain significance for Erythrocytosis, familial, 3. Last evaluated: 2025-09-12. Review status: criteria provided, single submitter. Criteria: Invitae Variant Classification Sherloc (09022015). Collection method: clinical testing. Allele origin: germline.
Comment: This sequence change replaces threonine, which is neutral and polar, with methionine, which is neutral and non-polar, at codon 168 of the EGLN1 protein (p.Thr168Met). The frequency data for this variant in the population databases is considered unreliable, as metrics indicate poor data quality at this position in the gnomAD database. This variant has not been reported in the literature in individuals affected with EGLN1-related conditions. ClinVar contains an entry for this variant (Variation ID: 2909454). An algorithm developed to predict the effect of missense changes on protein structure and function (PolyPhen-2) suggests that this variant is likely to be tolerated. In summary, the available evidence is currently insufficient to determine the role of this variant in disease. Therefore, it has been classified as a Variant of Uncertain Significance.

NM_022051.3(EGLN1):c.503C>T (p.Thr168Met)

Gene: EGLN1 (egl-9 family hypoxia inducible factor 1; minus strand). Cytogenetic location: 1q42.2.
Variant type: single nucleotide variant.
Coding change: c.503C>T on transcript NM_022051.3 (MANE Select); coding-DNA position 503, C replaced by T.
Protein change: p.Thr168Met; replaces threonine 168 with methionine.
Molecular consequence: missense variant.
Genome position (GRCh38, 1-based): chr1:231,421,386, G>A on the plus strand (C>T on the coding strand, the complement: EGLN1 is on the minus strand). VCF-style: chr1-231421386-G-A. GRCh37 (hg19) VCF-style: chr1-231557132-G-A.
Other names: c.503C>T (NM_022051.2); c.503C>T, p.Thr168Met (NM_001377260.1, NM_001377261.1); short protein forms T168M.
Identifiers: ClinVar variation 2909454 (VCV002909454.5), dbSNP rs772111647, ClinGen allele CA1453164.
Genomic context (GRCh38, chr1:231,421,386, plus strand): 5'-AGGGGCTTCGTCTGCCCGTTGGGCCGCAGGCCGCCGCCGGGGCTCAGCGCATCCCCGGGC[G>A]TGTTGCTTGGGGGGTACAGGTTCGCCTTCTCCTGGAACAGCGATGAGCGGGCCGGCGGCT-3'
Protein context (NP_071334.1, residues 158-178): EKANLYPPSN[Thr168Met]PGDALSPGGG